The following is an entry in ClinVar:

ClinVar aggregate classification (germline): Uncertain significance (1 of 4 stars; one submission).

Conditions:
Oligodontia-cancer predisposition syndrome. Also called: TOOTH AGENESIS-COLORECTAL CANCER SYNDROME. Identifiers: Orphanet 300576, MedGen C1837750, MONDO:0012075, OMIM 608615. Disease mechanism: loss of function.

gnomAD v4.1: 2 of 1,613,148 alleles (0.00012%); highest among the groups gnomAD compares: Non-Finnish European, 0.00017%; no homozygotes.

Submission:

Labcorp Genetics (formerly Invitae), Labcorp
Classification: Uncertain significance for Oligodontia-cancer predisposition syndrome. Last evaluated: 2024-08-31. Review status: criteria provided, single submitter. Criteria: Invitae Variant Classification Sherloc (09022015). Collection method: clinical testing. Allele origin: germline.
Comment: This sequence change replaces alanine, which is neutral and non-polar, with glycine, which is neutral and non-polar, at codon 603 of the AXIN2 protein (p.Ala603Gly). This variant is not present in population databases (gnomAD no frequency). This variant has not been reported in the literature in individuals affected with AXIN2-related conditions. An algorithm developed to predict the effect of missense changes on protein structure and function (PolyPhen-2) suggests that this variant is likely to be tolerated. In summary, the available evidence is currently insufficient to determine the role of this variant in disease. Therefore, it has been classified as a Variant of Uncertain Significance.

NM_004655.4(AXIN2):c.1808C>G (p.Ala603Gly)

Gene: AXIN2 (axin 2; minus strand). Cytogenetic location: 17q24.1.
Variant type: single nucleotide variant.
Coding change: c.1808C>G on transcript NM_004655.4 (MANE Select); coding-DNA position 1808, C replaced by G.
Protein change: p.Ala603Gly; replaces alanine 603 with glycine.
Molecular consequence: missense variant. On other transcripts: intron variant (1).
Genome position (GRCh38, 1-based): chr17:65,536,968, G>C on the plus strand (C>G on the coding strand, the complement: AXIN2 is on the minus strand). VCF-style: chr17-65536968-G-C. GRCh37 (hg19) VCF-style: chr17-63533086-G-C.
Other names: c.1712+356C>G (NM_001363813.1); short protein forms A603G.
Identifiers: ClinVar variation 3665589 (VCV003665589.2).